The following is an entry in ClinVar:

NM_001098512.3(PRKG1):c.-144C>A

Gene: PRKG1 (protein kinase cGMP-dependent 1; plus strand). Cytogenetic location: 10q11.23.
Variant type: single nucleotide variant.
Coding change: c.-144C>A on transcript NM_001098512.3; 144 bases upstream of the start codon, C replaced by A.
Molecular consequence: 5 prime UTR variant.
Genome position (GRCh38, 1-based): chr10:50,991,235, C>A. VCF-style: chr10-50991235-C-A. GRCh37 (hg19) VCF-style: chr10-52750995-C-A.
Identifiers: ClinVar variation 674736 (VCV000674736.4), dbSNP rs114234235, ClinGen allele CA207057992.

ClinVar aggregate classification (germline): Likely benign. Review status: criteria provided, multiple submitters, no conflicts (2 of 4 stars). 2 submissions from 2 submitters: Likely benign (2). Last evaluated 2018-06-14.

Allele frequency attached by ClinVar (database versions not stated): 1000 Genomes Project 30x 0.02311; 1000 Genomes Project 0.02436; gnomAD 0.02550 and 0.02572; gnomAD exomes 0.01982; TOPMed 0.02444.
gnomAD v4.1: 25,053 of 1,222,170 alleles (2%); highest among the groups gnomAD compares: East Asian, 4.7%; 462 homozygotes.

Submissions (2):

GeneDx
Classification: Likely benign. Last evaluated: 2018-06-14. Review status: criteria provided, single submitter. Criteria: GeneDx Variant Classification (06012015). Collection method: clinical testing. Allele origin: germline. Affected: yes.
Comment: This variant is considered likely benign or benign based on one or more of the following criteria: it is a conservative change, it occurs at a poorly conserved position in the protein, it is predicted to be benign by multiple in silico algorithms, and/or has population frequency not consistent with disease.

Breakthrough Genomics
Classification: Likely benign. Review status: criteria provided, single submitter. Criteria: ACMG Guidelines, 2015. Collection method: not provided. Allele origin: germline. Inheritance: Autosomal dominant inheritance. Affected: yes.